The following is an entry in ClinVar:

ClinVar aggregate classification (germline): Likely pathogenic. Review status: criteria provided, multiple submitters, no conflicts (2 of 4 stars). 3 submissions from 3 submitters: Likely pathogenic (3). Last evaluated 2024-11-19.

Conditions:
PDHX-related disorder. Also called: PDHX-related condition.
Pyruvate dehydrogenase E3-binding protein deficiency (PDHXD). Also called: LACTIC ACIDEMIA DUE TO DEFECT IN LIPOYL-CONTAINING COMPONENT X OF THE PYRUVATE DEHYDROGENASE COMPLEX; PYRUVATE HYDROGENASE E3-BINDING PROTEIN DEFICIENCY; E3-Binding Protein (Component X) Deficiency; Lacticacidemia due to PDX1 deficiency. Identifiers: Orphanet 255182, MedGen C1855553, MONDO:0009503, OMIM 245349.

Allele frequency attached by ClinVar (database versions not stated): TOPMed below 0.00001; ExAC 0.00001; gnomAD 0.00001; gnomAD exomes 0.00001.
gnomAD v4.1: 9 of 1,613,778 alleles (0.00056%); highest among the groups gnomAD compares: East Asian, 0.0045%; no homozygotes.

Submissions (3):

PreventionGenetics, part of Exact Sciences
Classification: Likely pathogenic for PDHX-related condition. Last evaluated: 2024-11-19. Review status: criteria provided, single submitter. Criteria: ACMG Guidelines, 2015. Collection method: clinical testing. Allele origin: germline.
Comment: The PDHX c.1426C>T variant is predicted to result in premature protein termination (p.Arg476*). This variant is located in the last exon of the PDHX gene and is therefore not expected to lead to nonsense-mediated mRNA decay (NMD); however, it is expected to lead to the loss of the last 26 amino acids of the PHDX protein. This variant was reported in the homozygous state in an individual with pyruvate dehydrogenase complex deficiency (Barnerias et al. 2010. PubMed ID: 20002125). This variant is reported in 0.011% of alleles in individuals of East Asian descent in gnomAD. Nonsense variants in PDHX are expected to be pathogenic. This variant is interpreted as likely pathogenic.

GeneDx
Classification: Likely pathogenic. Last evaluated: 2020-09-11. Review status: criteria provided, single submitter. Criteria: GeneDx Variant Classification Process June 2021. Collection method: clinical testing. Allele origin: germline. Affected: yes.
Comment: Nonsense variant predicted to result in protein truncation, although loss-of-function variants have not been reported downstream of this position in the protein; Not observed at a significant frequency in large population cohorts (Lek et al., 2016); This variant is associated with the following publications: (PMID: 25356417, 21914562, 20002125)

Juno Genomics, Hangzhou Juno Genomics, Inc
Classification: Likely pathogenic for Pyruvate dehydrogenase E3-binding protein deficiency. Review status: criteria provided, single submitter. Criteria: ACMG Guidelines, 2015. Collection method: clinical testing. Allele origin: germline. Affected: yes.
Comment: Absent from controls (or at extremely low frequency if recessive) in Genome Aggregation Database, Exome Sequencing Project, 1000 Genomes Project, or Exome Aggregation Consortium.;Null variant in a gene where loss of function (LOF) is a known mechanism of disease.;For recessive disorders, detected in trans with a pathogenic variant.;Patient's phenotype or family history is highly specific for a disease with a single genetic etiology.

NM_003477.3(PDHX):c.1426C>T (p.Arg476Ter)

Gene: PDHX (pyruvate dehydrogenase complex component X; plus strand). Cytogenetic location: 11p13.
Variant type: single nucleotide variant.
Coding change: c.1426C>T on transcript NM_003477.3 (MANE Select); coding-DNA position 1426, C replaced by T.
Protein change: p.Arg476Ter; replaces arginine 476 with a stop codon.
Molecular consequence: nonsense.
Genome position (GRCh38, 1-based): chr11:34,995,092, C>T. VCF-style: chr11-34995092-C-T. GRCh37 (hg19) VCF-style: chr11-35016639-C-T.
Other names: c.1246C>T, p.Arg416Ter (NM_001135024.2); c.745C>T, p.Arg249Ter (NM_001166158.2); short protein forms R249*, R416*, R476*.
Identifiers: ClinVar variation 1198487 (VCV001198487.5), dbSNP rs766377898, ClinGen allele CA5946197.